The following is an entry in ClinVar:

NM_016239.4(MYO15A):c.4206G>C (p.Gln1402His)

Gene: MYO15A (myosin XVA; plus strand). Cytogenetic location: 17p11.2.
Variant type: single nucleotide variant.
Coding change: c.4206G>C on transcript NM_016239.4 (MANE Select); coding-DNA position 4206, G replaced by C.
Protein change: p.Gln1402His; replaces glutamine 1402 with histidine.
Molecular consequence: missense variant.
Genome position (GRCh38, 1-based): chr17:18,131,531, G>C. VCF-style: chr17-18131531-G-C. GRCh37 (hg19) VCF-style: chr17-18034845-G-C.
Other names: short protein forms Q1402H.
Identifiers: ClinVar variation 2133275 (VCV002133275.4), dbSNP rs1348235812, ClinGen allele CA398592980.

ClinVar aggregate classification (germline): Uncertain significance (1 of 4 stars; one submission).

Submission:

Labcorp Genetics (formerly Invitae), Labcorp
Classification: Uncertain significance. Last evaluated: 2022-05-03. Review status: criteria provided, single submitter. Criteria: Invitae Variant Classification Sherloc (09022015). Collection method: clinical testing. Allele origin: germline.
Comment: In summary, the available evidence is currently insufficient to determine the role of this variant in disease. Therefore, it has been classified as a Variant of Uncertain Significance. Variants that disrupt the consensus splice site are a relatively common cause of aberrant splicing (PMID: 17576681, 9536098). Algorithms developed to predict the effect of sequence changes on RNA splicing suggest that this variant may disrupt the consensus splice site. Algorithms developed to predict the effect of missense changes on protein structure and function are either unavailable or do not agree on the potential impact of this missense change (SIFT: "Deleterious"; PolyPhen-2: "Not Available"; Align-GVGD: "Class C15"). This missense change has been observed in individual(s) with autosomal recessive deafness (Invitae). This variant is not present in population databases (gnomAD no frequency). This sequence change replaces glutamine, which is neutral and polar, with histidine, which is basic and polar, at codon 1402 of the MYO15A protein (p.Gln1402His). This variant also falls at the last nucleotide of exon 10, which is part of the consensus splice site for this exon.

Literature cited by the submitters: PubMed 17576681; PubMed 9536098.